The following is an entry in ClinVar:

NM_001754.5(RUNX1):c.1112T>C (p.Met371Thr)

Gene: RUNX1 (RUNX family transcription factor 1; minus strand). Cytogenetic location: 21q22.12.
Variant type: single nucleotide variant.
Coding change: c.1112T>C on transcript NM_001754.5 (MANE Select); coding-DNA position 1112, T replaced by C.
Protein change: p.Met371Thr; replaces methionine 371 with threonine.
Molecular consequence: missense variant.
Genome position (GRCh38, 1-based): chr21:34,792,466, A>G on the plus strand (T>C on the coding strand, the complement: RUNX1 is on the minus strand). VCF-style: chr21-34792466-A-G. GRCh37 (hg19) VCF-style: chr21-36164763-A-G.
Other names: NM_001754.5(RUNX1):c.1112T>C; p.Met371Thr; c.1031T>C, p.Met344Thr (NM_001001890.3); short protein forms M371T, M344T.
Identifiers: ClinVar variation 463977 (VCV000463977.14), dbSNP rs922736848, ClinGen allele CA320251476.

ClinVar aggregate classification (germline): Uncertain significance. Review status: reviewed by expert panel (3 of 4 stars). 5 submissions from 5 submitters: Uncertain significance (1). 4 of the submissions do not count toward it. Last evaluated 2024-09-16.

Conditions:
Inborn genetic diseases. Identifiers: MedGen C0950123, MeSH D030342.
Hereditary thrombocytopenia and hematologic cancer predisposition syndrome. Identifiers: Orphanet 71290, MedGen CN281654, MONDO:0011071.
Acute myeloid leukemia (AML). Also called: Leukemia, acute myeloid, somatic; Leukemia, acute myelogenous, somatic; Acute myeloid leukemia, adult; AML adult; Acute non-lymphocytic leukemia; Acute granulocytic leukemia. Identifiers: Orphanet 519, MedGen C0023467, MeSH D015470, MONDO:0018874, OMIM 601626, HP:0004808. Disease mechanism: Constitutively activated FLT3.
Hereditary thrombocytopenia and hematological cancer predisposition syndrome associated with RUNX1. Also called: Familial thrombocytopenia with propensity to acute myelogenous leukemia; RUNX1 Familial Platelet Disorder with Associated Myeloid Malignancies; Familial Platelet Disorder with Propensity to Acute Myelogenous Leukemia; PLATELET DISORDER, ASPIRIN-LIKE. Identifiers: Orphanet 71290, MedGen C1832388, MeSH C563324, MONDO:0100083, OMIM 601399.

Allele frequency attached by ClinVar (database versions not stated): gnomAD exomes below 0.00001; TOPMed 0.00002; gnomAD 0.00003.
gnomAD v4.1: 10 of 1,583,892 alleles (0.00063%); highest among the groups gnomAD compares: African/African-American, 0.0094%; no homozygotes.

Submissions (5):

ClinGen Myeloid Malignancy Variant Curation Expert Panel
Classification: Uncertain significance for Hereditary thrombocytopenia and hematologic cancer predisposition syndrome. Last evaluated: 2024-09-16. Review status: reviewed by expert panel. Criteria: ClinGen MyeloMalig ACMG Specifications v2. Collection method: curation. Allele origin: germline. Inheritance: Autosomal dominant inheritance.
Comment: NM_001754.5(RUNX1):c.1112T>C (p.Met371Thr) is a missense variant which does not meet any ACMG/AMP criteria. In summary, the clinical significance of this variant is uncertain. ACMG/AMP criteria applied, as specified by the Myeloid Malignancy Variant Curation Expert Panel for RUNX1: None.

Ambry Genetics
Classification: Uncertain significance for Inborn genetic diseases. Last evaluated: 2025-05-31. Review status: criteria provided, single submitter. Criteria: Ambry Variant Classification Scheme 2023. Collection method: clinical testing. Allele origin: germline. Not counted in ClinVar's aggregate classification.
Comment: The p.M371T variant (also known as c.1112T>C), located in coding exon 8 of the RUNX1 gene, results from a T to C substitution at nucleotide position 1112. The methionine at codon 371 is replaced by threonine, an amino acid with similar properties. This amino acid position is conserved. In addition, this alteration is predicted to be deleterious by in silico analysis. Based on the available evidence, the clinical significance of this variant remains unclear.

Labcorp Genetics (formerly Invitae), Labcorp
Classification: Uncertain significance for Hereditary thrombocytopenia and hematological cancer predisposition syndrome associated with RUNX1. Last evaluated: 2024-03-03. Review status: criteria provided, single submitter. Criteria: Invitae Variant Classification Sherloc (09022015). Collection method: clinical testing. Allele origin: germline. Not counted in ClinVar's aggregate classification.
Comment: This sequence change replaces methionine, which is neutral and non-polar, with threonine, which is neutral and polar, at codon 371 of the RUNX1 protein (p.Met371Thr). The frequency data for this variant in the population databases is considered unreliable, as metrics indicate poor data quality at this position in the gnomAD database. This variant has not been reported in the literature in individuals affected with RUNX1-related conditions. ClinVar contains an entry for this variant (Variation ID: 463977). Advanced modeling of protein sequence and biophysical properties (such as structural, functional, and spatial information, amino acid conservation, physicochemical variation, residue mobility, and thermodynamic stability) has been performed at Invitae for this missense variant, however the output from this modeling did not meet the statistical confidence thresholds required to predict the impact of this variant on RUNX1 protein function. In summary, the available evidence is currently insufficient to determine the role of this variant in disease. Therefore, it has been classified as a Variant of Uncertain Significance.

GeneDx
Classification: Uncertain significance. Last evaluated: 2023-10-09. Review status: criteria provided, single submitter. Criteria: GeneDx Variant Classification Process June 2021. Collection method: clinical testing. Allele origin: germline. Affected: yes. Not counted in ClinVar's aggregate classification.
Comment: Not observed at significant frequency in large population cohorts (gnomAD); In silico analysis supports that this missense variant does not alter protein structure/function; Has not been previously published as pathogenic or benign to our knowledge

Baylor Genetics
Classification: Uncertain significance for Acute myeloid leukemia. Last evaluated: 2023-06-06. Review status: criteria provided, single submitter. Criteria: ACMG Guidelines, 2015. Collection method: clinical testing. Allele origin: unknown. Not counted in ClinVar's aggregate classification.